The following is an entry in ClinVar:

NM_004204.5(PIGQ):c.*203C>T

Gene: PIGQ (phosphatidylinositol glycan anchor biosynthesis class Q; plus strand). Cytogenetic location: 16p13.3.
Variant type: single nucleotide variant.
Coding change: c.*203C>T on transcript NM_004204.5 (MANE Select); 203 bases downstream of the stop codon, C replaced by T.
Molecular consequence: 3 prime UTR variant. On other transcripts: synonymous variant (1).
Genome position (GRCh38, 1-based): chr16:583,238, C>T. VCF-style: chr16-583238-C-T. GRCh37 (hg19) VCF-style: chr16-633238-C-T.
Other names: c.1887C>T, p.Ala629= (NM_148920.4); c.1887C>T (NM_148920.2).
Identifiers: ClinVar variation 2645830 (VCV002645830.26), dbSNP rs144109237, ClinGen allele CA7780566.
Genomic context (GRCh38, chr16:583,238, plus strand): 5'-CACCTTGGGCTTGGAGGTCATTGGGAGTGAGCAGATGTGGGGGTGGCCAGCCAGGCTGGC[C>T]GCACTCCATCACTGGCACTGCCTGCCTTGGGACCCGCTTCCCACCTGCTGCGGTCACCAT-3'

ClinVar aggregate classification (germline): Likely benign. Review status: criteria provided, multiple submitters, no conflicts (2 of 4 stars). 3 submissions from 3 submitters: Likely benign (2). 1 of the submissions does not count toward it. Last evaluated 2024-07-09.

Conditions:
PIGQ-related disorder. Also called: PIGQ-related condition.

Allele frequency attached by ClinVar (database versions not stated): ExAC 0.00010; gnomAD 0.00010; ESP Exome Variant Server 0.00015; 1000 Genomes Project 0.00020; 1000 Genomes Project 30x 0.00031.
gnomAD v4.1: 153 of 1,612,906 alleles (0.0095%); highest among the groups gnomAD compares: Middle Eastern, 0.25%; no homozygotes.

Submissions (3):

Blueprint Genetics
Classification: Likely benign. Last evaluated: 2024-07-09. Review status: criteria provided, single submitter. Criteria: ACMG Guidelines, 2015. Collection method: clinical testing. Allele origin: germline.

CeGaT Center for Human Genetics Tuebingen
Classification: Likely benign. Last evaluated: 2023-02-01. Review status: criteria provided, single submitter. Criteria: CeGaT Center For Human Genetics Tuebingen Variant Classification Criteria Version 2. Collection method: clinical testing. Allele origin: germline. Affected: yes. Observed: 1 variant allele.
Comment: PIGQ: BP4, BP7

PreventionGenetics, part of Exact Sciences
Classification: Likely benign for PIGQ-related condition. Last evaluated: 2019-09-17. Review status: no assertion criteria provided. Collection method: clinical testing. Allele origin: germline. Not counted in ClinVar's aggregate classification.
Comment: This variant is classified as likely benign based on ACMG/AMP sequence variant interpretation guidelines (Richards et al. 2015 PMID: 25741868, with internal and published modifications).